The following is an entry in ClinVar:

ClinVar aggregate classification (germline): Conflicting classifications of pathogenicity. Review status: criteria provided, conflicting classifications (1 of 4 stars). 3 submissions from 3 submitters: Uncertain significance (1); Likely benign (2). Last evaluated 2025-05-01.

Conditions:
Intellectual developmental disorder, X-linked, syndromic, Turner type. Also called: Intellectual disability, X-linked syndromic, Turner type; X-linked intellectual disability, Turner type. Identifiers: Orphanet 3056, Orphanet 85328, MedGen C2678046, MONDO:0010407, OMIM 309590.

Submissions (3):

CeGaT Center for Human Genetics Tuebingen
Classification: Likely benign. Last evaluated: 2025-05-01. Review status: criteria provided, single submitter. Criteria: CeGaT Center For Human Genetics Tuebingen Variant Classification Criteria Version 2. Collection method: clinical testing. Allele origin: germline. Affected: yes. Observed: 2 variant alleles.
Comment: HUWE1: BS2

MVZ Martinsried, Medicover Genetics
Classification: Uncertain significance for Intellectual developmental disorder, X-linked, syndromic, Turner type. Last evaluated: 2021-08-27. Review status: criteria provided, single submitter. Criteria: ACGS Guidelines, 2020. Collection method: clinical testing. Allele origin: maternal. Affected: yes.

GeneDx
Classification: Likely benign. Last evaluated: 2020-09-17. Review status: criteria provided, single submitter. Criteria: GeneDx Variant Classification Process June 2021. Collection method: clinical testing. Allele origin: germline. Affected: yes.

NM_031407.7(HUWE1):c.7305GGA[6] (p.Glu2440dup)

Genes: HUWE1 (HECT, UBA and WWE domain containing E3 ubiquitin protein ligase 1; minus strand), LOC126863262 (MED14-independent group 3 enhancer GRCh37_chrX:53588722-53589921; plus strand). Cytogenetic location: Xp11.22.
Variant type: Microsatellite.
Coding change: c.7305GGA[6] on transcript NM_031407.7 (MANE Select); six copies in a row of the 3-base unit GGA starting at c.7305; the reference has five copies in a row; one copy, 3 bases duplicated.
Protein change: p.Glu2440dup; duplicates glutamic acid 2440.
Molecular consequence: inframe insertion.
Genome position (GRCh38, 1-based): chrX:53,562,130-53,562,132, TCC duplicated on the plus strand (GGA on the coding strand, the reverse complement: HUWE1 is on the minus strand); duplicating any 3 consecutive bases within chrX:53,562,130-53,562,146 gives the same sequence; the position shown is the placement nearest the transcript's 3' end. VCF-style (leftmost placement, unchanged base first): chrX-53562129-T-TTCC. GRCh37 (hg19) VCF-style: chrX-53589090-T-TTCC.
Other names: c.7317_7319dupGGA (NM_031407.7).
Identifiers: ClinVar variation 1217533 (VCV001217533.20), dbSNP rs781877059, ClinGen allele CA10421974.
Genomic context (GRCh38, chrX:53,562,129, plus strand): 5'-GAAGAGGTCATCTGAACCAACCCAAACGCAGTCCCCCCTCACCTGATCATCTTCCTCATC[T>TTCC]TCCTCCTCCTCCTCCTCTTCATCCTGACTATCATCCTCATCCTCGTTACTGCCACTGCTG-3'